The following is an entry in ClinVar:

NM_019032.6(ADAMTSL4):c.1481G>A (p.Arg494Gln)

Genes: ADAMTSL4 (ADAMTS like 4; plus strand), ADAMTSL4-AS2 (ADAMTSL4 antisense RNA 2; minus strand). Cytogenetic location: 1q21.2.
Variant type: single nucleotide variant.
Coding change: c.1481G>A on transcript NM_019032.6 (MANE Select); coding-DNA position 1481, G replaced by A.
Protein change: p.Arg494Gln; replaces arginine 494 with glutamine.
Molecular consequence: missense variant.
Genome position (GRCh38, 1-based): chr1:150,556,271, G>A. VCF-style: chr1-150556271-G-A. GRCh37 (hg19) VCF-style: chr1-150528747-G-A.
Other names: c.1550G>A, p.Arg517Gln (NM_001288607.2, NM_001288608.2); c.1481G>A, p.Arg494Gln (NM_001378596.1, NM_025008.5); short protein forms R517Q, R494Q.
Identifiers: ClinVar variation 1505511 (VCV001505511.3), dbSNP rs1183120397, ClinGen allele CA342309767.

ClinVar aggregate classification (germline): Uncertain significance (1 of 4 stars; one submission).

Allele frequency attached by ClinVar (database versions not stated): gnomAD 0.00001; TOPMed 0.00001.
gnomAD v4.1: 4 of 1,614,032 alleles (0.00025%); highest among the groups gnomAD compares: East Asian, 0.0022%; no homozygotes.

Submission:

Labcorp Genetics (formerly Invitae), Labcorp
Classification: Uncertain significance. Last evaluated: 2022-07-26. Review status: criteria provided, single submitter. Criteria: Invitae Variant Classification Sherloc (09022015). Collection method: clinical testing. Allele origin: germline.
Comment: This sequence change replaces arginine, which is basic and polar, with glutamine, which is neutral and polar, at codon 494 of the ADAMTSL4 protein (p.Arg494Gln). This variant is present in population databases (no rsID available, gnomAD 0.006%). This variant has not been reported in the literature in individuals affected with ADAMTSL4-related conditions. ClinVar contains an entry for this variant (Variation ID: 1505511). Algorithms developed to predict the effect of missense changes on protein structure and function output the following: SIFT: "Deleterious"; PolyPhen-2: "Benign"; Align-GVGD: "Class C35". The glutamine amino acid residue is found in multiple mammalian species, which suggests that this missense change does not adversely affect protein function. In summary, the available evidence is currently insufficient to determine the role of this variant in disease. Therefore, it has been classified as a Variant of Uncertain Significance.